The following is an entry in ClinVar:

ClinVar aggregate classification (germline): Pathogenic (1 of 4 stars; one submission).

Conditions:
Curry-Hall syndrome (WAD). Also called: WEYERS ACRODENTAL DYSOSTOSIS. Identifiers: Orphanet 952, MedGen C0457013, MONDO:0008673, OMIM 193530.
Ellis-van Creveld syndrome (EVC). Also called: EVC-Related Ellis-van Creveld Syndrome; EVC2-Related Ellis-van Creveld Syndrome; MESOECTODERMAL DYSPLASIA; Chondroectodermal dysplasia. Identifiers: Orphanet 289, MedGen C0013903, MONDO:0009162, OMIM 225500.

Allele frequency attached by ClinVar (database versions not stated): gnomAD exomes below 0.00001; ExAC 0.00001.

Submission:

Labcorp Genetics (formerly Invitae), Labcorp
Classification: Pathogenic for Curry-Hall syndrome; Ellis-van Creveld syndrome. Last evaluated: 2022-08-09. Review status: criteria provided, single submitter. Criteria: Invitae Variant Classification Sherloc (09022015). Collection method: clinical testing. Allele origin: germline.
Comment: This variant is present in population databases (rs745627738, gnomAD 0.0009%). For these reasons, this variant has been classified as Pathogenic. ClinVar contains an entry for this variant (Variation ID: 1072443). This variant has not been reported in the literature in individuals affected with EVC-related conditions. This sequence change creates a premature translational stop signal (p.Arg349Serfs*34) in the EVC gene. It is expected to result in an absent or disrupted protein product. Loss-of-function variants in EVC are known to be pathogenic (PMID: 23220543).

Literature cited by the submitters: PubMed 23220543.

NM_153717.3(EVC):c.1047_1048del (p.Arg349fs)

Gene: EVC (EvC ciliary complex subunit 1; plus strand). Cytogenetic location: 4p16.2.
Variant type: Deletion.
Coding change: c.1047_1048del on transcript NM_153717.3 (MANE Select); coding-DNA positions 1047 to 1048, 2 bases deleted (AA; older notation c.1047_1048delAA).
Protein change: p.Arg349fs; shifts the reading frame from arginine 349.
Molecular consequence: frameshift variant.
Genome position (GRCh38, 1-based): chr4:5,748,255-5,748,256, AA deleted. VCF-style (leftmost placement, unchanged base first): chr4-5748254-GAA-G. GRCh37 (hg19) VCF-style: chr4-5749981-GAA-G.
Other names: c.1047_1048del, p.Arg349fs (NM_001306090.2, NM_001306092.2); short protein forms R349fs.
Identifiers: ClinVar variation 1072443 (VCV001072443.9), dbSNP rs745627738, ClinGen allele CA2835968.